The following is an entry in ClinVar:

ClinVar aggregate classification (germline): Pathogenic (1 of 4 stars; one submission).

Conditions:
Supravalvar aortic stenosis (SVAS). Also called: Supravalvar aortic stenosis, Eisenberg type. Identifiers: Orphanet 3193, MedGen C0003499, MONDO:0008504, OMIM 185500, HP:0004381.

Submission:

Labcorp Genetics (formerly Invitae), Labcorp
Classification: Pathogenic for Supravalvar aortic stenosis. Last evaluated: 2019-10-24. Review status: criteria provided, single submitter. Criteria: Invitae Variant Classification Sherloc (09022015). Collection method: clinical testing. Allele origin: germline.
Comment: For these reasons, this variant has been classified as Pathogenic. Loss-of-function variants in ELN are known to be pathogenic (PMID: 11175284). This variant has not been reported in the literature in individuals with ELN-related conditions. This variant is not present in population databases (ExAC no frequency). This sequence change creates a premature translational stop signal (p.Gly139Trpfs*38) in the ELN gene. It is expected to result in an absent or disrupted protein product.

Literature cited by the submitters: PubMed 11175284.

NM_000501.4(ELN):c.414dup (p.Gly139fs)

Gene: ELN (elastin; plus strand). Cytogenetic location: 7q11.23.
Variant type: Duplication.
Coding change: c.414dup on transcript NM_000501.4 (MANE Select); coding-DNA position 414, one base duplicated (T; older notation c.414dupT).
Protein change: p.Gly139fs; shifts the reading frame from glycine 139.
Molecular consequence: frameshift variant.
Genome position (GRCh38, 1-based): chr7:74,043,155, T duplicated. VCF-style (leftmost placement, unchanged base first): chr7-74043154-C-CT. GRCh37 (hg19) VCF-style: chr7-73457484-C-CT.
Other names: c.384dup, p.Gly129fs (NM_001081752.3, NM_001278917.2, NM_001278918.2); c.429dup, p.Gly144fs (NM_001081753.3, NM_001081754.3); c.414dup, p.Gly139fs (NM_001081755.3, NM_001278912.2, NM_001278915.2 and 2 more transcripts); c.378dup, p.Gly127fs (NM_001278913.2); c.399dup, p.Gly134fs (NM_001278914.2); short protein forms G129fs, G144fs, G134fs, G127fs, G139fs.
Identifiers: ClinVar variation 958465 (VCV000958465.7), dbSNP rs1791633917, ClinGen allele CA1139659780.